The following is an entry in ClinVar:

ClinVar aggregate classification (germline): Conflicting classifications of pathogenicity. Review status: criteria provided, conflicting classifications (1 of 4 stars). 5 submissions from 5 submitters: Uncertain significance (2); Likely benign (2). 1 of the submissions does not count toward it. Last evaluated 2025-10-12.

Conditions:
Inborn genetic diseases. Identifiers: MedGen C0950123, MeSH D030342.
Donnai-Barrow syndrome. Also called: DBS/FOAR SYNDROME; FACIOOCULOACOUSTICORENAL SYNDROME. Identifiers: Orphanet 2143, MedGen C1857277, MONDO:0009104, OMIM 222448.
LRP2-related disorder. Also called: LRP2-related condition.

Allele frequency attached by ClinVar (database versions not stated): ExAC 0.00005; ESP Exome Variant Server 0.00008; 1000 Genomes Project 30x 0.00031; 1000 Genomes Project 0.00040.
gnomAD v4.1: 59 of 1,611,876 alleles (0.0037%); highest among the groups gnomAD compares: African/African-American, 0.073%; no homozygotes.

Submissions (5):

Labcorp Genetics (formerly Invitae), Labcorp
Classification: Likely benign. Last evaluated: 2025-10-12. Review status: criteria provided, single submitter. Criteria: Invitae Variant Classification Sherloc (09022015). Collection method: clinical testing. Allele origin: germline.

Ambry Genetics
Classification: Uncertain significance for Inborn genetic diseases. Last evaluated: 2025-10-07. Review status: criteria provided, single submitter. Criteria: Ambry Variant Classification Scheme 2023. Collection method: clinical testing. Allele origin: germline.

Fulgent Genetics
Classification: Likely benign for Donnai-Barrow syndrome. Last evaluated: 2024-06-12. Review status: criteria provided, single submitter. Criteria: ACMG Guidelines, 2015. Collection method: clinical testing. Allele origin: germline.

GeneDx
Classification: Uncertain significance. Last evaluated: 2024-05-14. Review status: criteria provided, single submitter. Criteria: GeneDx Variant Classification Process June 2021. Collection method: clinical testing. Allele origin: germline. Affected: yes.
Comment: In silico analysis indicates that this missense variant does not alter protein structure/function; Has not been previously published as pathogenic or benign to our knowledge

PreventionGenetics, part of Exact Sciences
Classification: Uncertain significance for LRP2-related condition. Last evaluated: 2024-05-21. Review status: no assertion criteria provided. Collection method: clinical testing. Allele origin: germline. Not counted in ClinVar's aggregate classification.
Comment: The LRP2 c.13680G>T variant is predicted to result in the amino acid substitution p.Glu4560Asp. To our knowledge, this variant has not been reported in the literature. This variant is reported in 0.068% of alleles in individuals of African descent in gnomAD. Although we suspect that this variant may be benign, at this time, the clinical significance of this variant is uncertain due to the absence of conclusive functional and genetic evidence.

NM_004525.3(LRP2):c.13680G>T (p.Glu4560Asp)

Gene: LRP2 (LDL receptor related protein 2; minus strand). Cytogenetic location: 2q31.1.
Variant type: single nucleotide variant.
Coding change: c.13680G>T on transcript NM_004525.3 (MANE Select); coding-DNA position 13680, G replaced by T.
Protein change: p.Glu4560Asp; replaces glutamic acid 4560 with aspartic acid.
Molecular consequence: missense variant.
Genome position (GRCh38, 1-based): chr2:169,132,622, C>A on the plus strand (G>T on the coding strand, the complement: LRP2 is on the minus strand). VCF-style: chr2-169132622-C-A. GRCh37 (hg19) VCF-style: chr2-169989132-C-A.
Other names: c.13680G>T (NM_004525.2); short protein forms E4560D.
Identifiers: ClinVar variation 1623563 (VCV001623563.13), dbSNP rs192849943, ClinGen allele CA1952462.